The following is an entry in ClinVar:

ClinVar aggregate classification (germline): Uncertain significance. Review status: criteria provided, multiple submitters, no conflicts (2 of 4 stars). 2 submissions from 2 submitters: Uncertain significance (2). Last evaluated 2025-05-01.

Allele frequency attached by ClinVar (database versions not stated): gnomAD 0.00003; TOPMed 0.00005; ESP Exome Variant Server 0.00015.
gnomAD v4.1: 42 of 1,614,088 alleles (0.0026%); highest among the groups gnomAD compares: Admixed American, 0.023%; no homozygotes.

Submissions (2):

Ambry Genetics
Classification: Uncertain significance. Last evaluated: 2025-05-01. Review status: criteria provided, single submitter. Criteria: Ambry Variant Classification Scheme 2023. Collection method: clinical testing. Allele origin: germline.

Labcorp Genetics (formerly Invitae), Labcorp
Classification: Uncertain significance. Last evaluated: 2025-01-13. Review status: criteria provided, single submitter. Criteria: Invitae Variant Classification Sherloc (09022015). Collection method: clinical testing. Allele origin: germline.
Comment: This sequence change replaces glycine, which is neutral and non-polar, with alanine, which is neutral and non-polar, at codon 549 of the PCK2 protein (p.Gly549Ala). This variant is present in population databases (rs201980042, gnomAD 0.03%). This variant has not been reported in the literature in individuals affected with PCK2-related conditions. ClinVar contains an entry for this variant (Variation ID: 2053283). Invitae Evidence Modeling of protein sequence and biophysical properties (such as structural, functional, and spatial information, amino acid conservation, physicochemical variation, residue mobility, and thermodynamic stability) has been performed for this missense variant. However, the output from this modeling did not meet the statistical confidence thresholds required to predict the impact of this variant on PCK2 protein function. In summary, the available evidence is currently insufficient to determine the role of this variant in disease. Therefore, it has been classified as a Variant of Uncertain Significance.

NM_004563.4(PCK2):c.1646G>C (p.Gly549Ala)

Genes: NRL (neural retina leucine zipper; minus strand), PCK2 (phosphoenolpyruvate carboxykinase 2, mitochondrial; plus strand). Cytogenetic location: 14q12.
Variant type: single nucleotide variant.
Coding change: c.1646G>C on transcript NM_004563.4 (MANE Select); coding-DNA position 1646, G replaced by C.
Protein change: p.Gly549Ala; replaces glycine 549 with alanine.
Molecular consequence: missense variant. On other transcripts: intron variant (3).
Genome position (GRCh38, 1-based): chr14:24,103,687, G>C. VCF-style: chr14-24103687-G-C. GRCh37 (hg19) VCF-style: chr14-24572896-G-C.
Other names: c.1244G>C, p.Gly415Ala (NM_001291556.2, NM_001308054.2); c.-28+11035C>G (NM_001354768.3, NM_001354770.2); c.-254+11035C>G (NM_006177.5); c.1646G>C (NM_004563.2); short protein forms G415A, G549A.
Identifiers: ClinVar variation 2053283 (VCV002053283.5), dbSNP rs201980042, ClinGen allele CA7123585.